The following is an entry in ClinVar:

ClinVar aggregate classification (germline): Uncertain significance (1 of 4 stars; one submission).

Allele frequency attached by ClinVar (database versions not stated): gnomAD exomes below 0.00001.
gnomAD v4.1: 1 of 1,613,836 alleles (0.000062%); highest among the groups gnomAD compares: Non-Finnish European, 0.000085%; no homozygotes.

Submission:

Labcorp Genetics (formerly Invitae), Labcorp
Classification: Uncertain significance. Last evaluated: 2023-08-28. Review status: criteria provided, single submitter. Criteria: Invitae Variant Classification Sherloc (09022015). Collection method: clinical testing. Allele origin: germline.
Comment: In summary, the available evidence is currently insufficient to determine the role of this variant in disease. Therefore, it has been classified as a Variant of Uncertain Significance. Variants that disrupt the consensus splice site are a relatively common cause of aberrant splicing (PMID: 17576681, 9536098). Algorithms developed to predict the effect of sequence changes on RNA splicing suggest that this variant is not likely to affect RNA splicing. This variant has not been reported in the literature in individuals affected with AUTS2-related conditions. This variant is present in population databases (no rsID available, gnomAD 0.0009%). This sequence change falls in intron 2 of the AUTS2 gene. It does not directly change the encoded amino acid sequence of the AUTS2 protein. It affects a nucleotide within the consensus splice site.

Literature cited by the submitters: PubMed 17576681; PubMed 9536098.

NM_015570.4(AUTS2):c.522+6G>C

Gene: AUTS2 (activator of transcription and developmental regulator AUTS2; plus strand). Cytogenetic location: 7q11.22.
Variant type: single nucleotide variant.
Coding change: c.522+6G>C on transcript NM_015570.4 (MANE Select); 6 bases into the intron after coding-DNA position 522, G replaced by C.
Molecular consequence: intron variant.
Genome position (GRCh38, 1-based): chr7:69,899,504, G>C. VCF-style: chr7-69899504-G-C. GRCh37 (hg19) VCF-style: chr7-69364490-G-C.
Other names: c.522+6G>C (NM_001127232.3, NM_001127231.3).
Identifiers: ClinVar variation 2756074 (VCV002756074.3), dbSNP rs1241675880, ClinGen allele CA575784656.
Genomic context (GRCh38, chr7:69,899,504, plus strand): 5'-CAATCTCTGCCAGCACCTTGGGAAGAGAAAGAAAATGCCGAAGGCACTCAGACAGGTGAG[G>C]AAGCTTGGGTTCGCTCTTTCCTGTGGCGGCAAAATCCCTTCCTTAGGTGCTTCCTCCACT-3'